The following is an entry in ClinVar:

NM_003239.5(TGFB3):c.993G>A (p.Lys331=)

Gene: TGFB3 (transforming growth factor beta 3; minus strand). Cytogenetic location: 14q24.3.
Variant type: single nucleotide variant.
Coding change: c.993G>A on transcript NM_003239.5 (MANE Select); coding-DNA position 993, G replaced by A.
Protein change: p.Lys331=; no amino-acid change (lysine 331 retained).
Molecular consequence: synonymous variant.
Genome position (GRCh38, 1-based): chr14:75,961,010, C>T on the plus strand (G>A on the coding strand, the complement: TGFB3 is on the minus strand). VCF-style: chr14-75961010-C-T. GRCh37 (hg19) VCF-style: chr14-76427353-C-T.
Other names: p.Lys331=; c.993G>A, p.Lys331= (NM_001329939.2); c.993G>A (NM_003239.4).
Identifiers: ClinVar variation 3455812 (VCV003455812.2).
Genomic context (GRCh38, chr14:75,961,010, plus strand): 5'-GAGGTATGGGCAAGGGCCTGAGCAGAAGTTGGCATAGTAGCCCTTAGGTTCATGGACCCA[C>T]TTCCAGCCCAGATCCTGTCGGAAGTCAATGTAGAGGGGGCGCACACAGCAGTTCTCCTCC-3'
Protein context (NP_003230.1, residues 321-341): YIDFRQDLGW[Lys331=]WVHEPKGYYA

ClinVar aggregate classification (germline): Likely benign. Review status: criteria provided, multiple submitters, no conflicts (2 of 4 stars). 2 submissions from 2 submitters: Likely benign (2). Last evaluated 2025-10-21.

Conditions:
Familial thoracic aortic aneurysm and aortic dissection (TAAD). Also called: Thoracic aortic aneurysms and dissections. Identifiers: Orphanet 91387, MedGen C4707243, MONDO:0019625.

Submissions (2):

Mayo Clinic Laboratories, Mayo Clinic
Classification: Likely benign. Last evaluated: 2025-10-21. Review status: criteria provided, single submitter. Criteria: ACMG Guidelines, 2015. Collection method: clinical testing. Allele origin: germline. Observed: 1 variant allele.
Comment: BP4, BP7, PM2_supporting

Ambry Genetics
Classification: Likely benign for Familial thoracic aortic aneurysm and aortic dissection. Last evaluated: 2024-10-28. Review status: criteria provided, single submitter. Criteria: Ambry Variant Classification Scheme 2023. Collection method: clinical testing. Allele origin: germline.